The following is an entry in ClinVar:

NM_000136.3(FANCC):c.1627_1628delinsAA (p.Ser543Lys)

Genes: AOPEP (aminopeptidase O (putative); plus strand), FANCC (FA complementation group C; minus strand). Cytogenetic location: 9q22.32.
Variant type: Indel.
Coding change: c.1627_1628delinsAA on transcript NM_000136.3 (MANE Select); coding-DNA positions 1627 to 1628, TC replaced by AA.
Protein change: p.Ser543Lys; replaces serine 543 with lysine.
Molecular consequence: missense variant.
Genome position (GRCh38, 1-based): chr9:95,101,756-95,101,757, GA replaced by TT on the plus strand (TC replaced by AA on the coding strand, the reverse complement: FANCC is on the minus strand). VCF-style: chr9-95101756-GA-TT. GRCh37 (hg19) VCF-style: chr9-97864038-GA-TT.
Other names: c.1627_1628delinsAA (NM_000136.2); c.1627_1628delinsAA, p.Ser543Lys (NM_001243743.2); short protein forms S543K.
Identifiers: ClinVar variation 220199 (VCV000220199.13), dbSNP rs864622417, ClinGen allele CA349363.
Genomic context (GRCh38, chr9:95,101,756, plus strand): 5'-CTGCGTGCCTTCTAGACTTGAGTTCGCAGCTCTTTAAGGAGCTCTCGGGCCAGTTTTTCT[GA>TT]TCTAGGGCTTTCAATGCCAAGACGATTCCATCTGTACAAGGTCTGGTCAAGAAAGCCAAT-3'
Protein context (NP_000127.2, residues 533-553): WNRLGIESPR[Ser543Lys]EKLARELLKE

ClinVar aggregate classification (germline): Uncertain significance. Review status: criteria provided, multiple submitters, no conflicts (2 of 4 stars). 3 submissions from 3 submitters: Uncertain significance (3). Last evaluated 2025-03-03.

Conditions:
Hereditary cancer-predisposing syndrome. Also called: Hereditary neoplastic syndrome; Tumor predisposition; Hereditary Cancer Syndrome; Neoplastic Syndromes, Hereditary. Identifiers: Orphanet 140162, MedGen C0027672, MeSH D009386, MONDO:0015356.
Fanconi anemia (FA). Also called: Fanconi's anemia. Identifiers: Orphanet 84, MedGen C0015625, MeSH D005199, MONDO:0019391.

Submissions (3):

Labcorp Genetics (formerly Invitae), Labcorp
Classification: Uncertain significance for Fanconi anemia. Last evaluated: 2025-03-03. Review status: criteria provided, single submitter. Criteria: Invitae Variant Classification Sherloc (09022015). Collection method: clinical testing. Allele origin: germline.
Comment: This sequence change replaces serine, which is neutral and polar, with lysine, which is basic and polar, at codon 543 of the FANCC protein (p.Ser543Lys). This variant is present in population databases (no rsID available, gnomAD 0.0008%). This variant has not been reported in the literature in individuals affected with FANCC-related conditions. ClinVar contains an entry for this variant (Variation ID: 220199). An algorithm developed to predict the effect of missense changes on protein structure and function (PolyPhen-2) suggests that this variant is likely to be disruptive. In summary, the available evidence is currently insufficient to determine the role of this variant in disease. Therefore, it has been classified as a Variant of Uncertain Significance.

GeneDx
Classification: Uncertain significance. Last evaluated: 2024-03-17. Review status: criteria provided, single submitter. Criteria: GeneDx Variant Classification Process June 2021. Collection method: clinical testing. Allele origin: germline. Affected: yes.
Comment: Not observed at significant frequency in large population cohorts (gnomAD); In silico analysis supports that this variant does not alter protein structure/function; Has not been previously published as pathogenic or benign to our knowledge; This variant is associated with the following publications: (PMID: Gordon2000[Book])

Ambry Genetics
Classification: Uncertain significance for Hereditary cancer-predisposing syndrome. Last evaluated: 2023-08-16. Review status: criteria provided, single submitter. Criteria: Ambry Variant Classification Scheme 2023. Collection method: clinical testing. Allele origin: germline.
Comment: The c.1627_1628delTCinsAA variant (also known as p.S543K), located in coding exon 14 of the FANCC gene, results from an in-frame deletion of TC and insertion of AA at nucleotide positions 1627 to 1628. This results in the substitution of the serine residue for a lysine residue at codon 543, an amino acid with dissimilar properties. This amino acid position is not well conserved in available vertebrate species. In addition, this alteration is predicted to be neutral by in silico analysis (Choi Y et al. PLoS ONE. 2012; 7(10):e46688). Since supporting evidence is limited at this time, the clinical significance of this alteration remains unclear.